The following is an entry in ClinVar:

NM_013432.5(TONSL):c.1066G>A (p.Val356Met)

Gene: TONSL (tonsoku like, DNA repair protein; minus strand). Cytogenetic location: 8q24.3.
Variant type: single nucleotide variant.
Coding change: c.1066G>A on transcript NM_013432.5 (MANE Select); coding-DNA position 1066, G replaced by A.
Protein change: p.Val356Met; replaces valine 356 with methionine.
Molecular consequence: missense variant.
Genome position (GRCh38, 1-based): chr8:144,440,816, C>T on the plus strand (G>A on the coding strand, the complement: TONSL is on the minus strand). VCF-style: chr8-144440816-C-T. GRCh37 (hg19) VCF-style: chr8-145666199-C-T.
Other names: short protein forms V356M.
Identifiers: ClinVar variation 1406079 (VCV001406079.5), dbSNP rs770935862, ClinGen allele CA4943400.

ClinVar aggregate classification (germline): Uncertain significance (1 of 4 stars; one submission).

Allele frequency attached by ClinVar (database versions not stated): gnomAD exomes below 0.00001; ExAC 0.00001.
gnomAD v4.1: 3 of 1,612,916 alleles (0.00019%); highest among the groups gnomAD compares: Non-Finnish European, 0.00025%; no homozygotes.

Submission:

Labcorp Genetics (formerly Invitae), Labcorp
Classification: Uncertain significance. Last evaluated: 2022-02-05. Review status: criteria provided, single submitter. Criteria: Invitae Variant Classification Sherloc (09022015). Collection method: clinical testing. Allele origin: germline.
Comment: This sequence change replaces valine, which is neutral and non-polar, with methionine, which is neutral and non-polar, at codon 356 of the TONSL protein (p.Val356Met). This variant is present in population databases (rs770935862, gnomAD 0.0009%). This variant has not been reported in the literature in individuals affected with TONSL-related conditions. Algorithms developed to predict the effect of missense changes on protein structure and function are either unavailable or do not agree on the potential impact of this missense change (SIFT: "Deleterious"; PolyPhen-2: "Probably Damaging"; Align-GVGD: "Class C0"). In summary, the available evidence is currently insufficient to determine the role of this variant in disease. Therefore, it has been classified as a Variant of Uncertain Significance.